The following is an entry in ClinVar:

ClinVar aggregate classification (germline): Uncertain significance (1 of 4 stars; one submission).

Conditions:
Intellectual developmental disorder, autosomal dominant 1. Also called: Intellectual disability, autosomal dominant 1; MBD5 Haploinsufficiency. Identifiers: Orphanet 228402, MedGen C1969562, MONDO:0007974, OMIM 156200.

Allele frequency attached by ClinVar (database versions not stated): gnomAD 0.00001.
gnomAD v4.1: 1 of 1,613,470 alleles (0.000062%); highest among the groups gnomAD compares: Non-Finnish European, 0.000085%; no homozygotes.

Submission:

Labcorp Genetics (formerly Invitae), Labcorp
Classification: Uncertain significance for Intellectual developmental disorder, autosomal dominant 1. Last evaluated: 2022-10-17. Review status: criteria provided, single submitter. Criteria: Invitae Variant Classification Sherloc (09022015). Collection method: clinical testing. Allele origin: germline.
Comment: In summary, the available evidence is currently insufficient to determine the role of this variant in disease. Therefore, it has been classified as a Variant of Uncertain Significance. Advanced modeling of protein sequence and biophysical properties (such as structural, functional, and spatial information, amino acid conservation, physicochemical variation, residue mobility, and thermodynamic stability) performed at Invitae indicates that this missense variant is not expected to disrupt MBD5 protein function. ClinVar contains an entry for this variant (Variation ID: 1417248). This variant has not been reported in the literature in individuals affected with MBD5-related conditions. This variant is present in population databases (no rsID available, gnomAD 0.007%). This sequence change replaces arginine, which is basic and polar, with isoleucine, which is neutral and non-polar, at codon 146 of the MBD5 protein (p.Arg146Ile).

NM_001378120.1(MBD5):c.437G>T (p.Arg146Ile)

Gene: MBD5 (methyl-CpG binding domain protein 5; plus strand). Cytogenetic location: 2q23.1.
Variant type: single nucleotide variant.
Coding change: c.437G>T on transcript NM_001378120.1 (MANE Select); coding-DNA position 437, G replaced by T.
Protein change: p.Arg146Ile; replaces arginine 146 with isoleucine.
Molecular consequence: missense variant.
Genome position (GRCh38, 1-based): chr2:148,468,380, G>T. VCF-style: chr2-148468380-G-T. GRCh37 (hg19) VCF-style: chr2-149225949-G-T.
Other names: c.437G>T, p.Arg146Ile (NM_018328.5); short protein forms R146I.
Identifiers: ClinVar variation 1417248 (VCV001417248.8), dbSNP rs1411318062, ClinGen allele CA348716787.